The following is an entry in ClinVar:

NM_014334.4(FRRS1L):c.604G>A (p.Val202Ile)

Gene: FRRS1L (ferric chelate reductase 1 like; minus strand). Cytogenetic location: 9q31.3.
Variant type: single nucleotide variant.
Coding change: c.604G>A on transcript NM_014334.4 (MANE Select); coding-DNA position 604, G replaced by A.
Protein change: p.Val202Ile; replaces valine 202 with isoleucine.
Molecular consequence: missense variant.
Genome position (GRCh38, 1-based): chr9:109,141,448, C>T on the plus strand (G>A on the coding strand, the complement: FRRS1L is on the minus strand). VCF-style: chr9-109141448-C-T. GRCh37 (hg19) VCF-style: chr9-111903728-C-T.
Other names: short protein forms V202I.
Identifiers: ClinVar variation 569298 (VCV000569298.33), dbSNP rs753224453, ClinGen allele CA5177365.

ClinVar aggregate classification (germline): Uncertain significance. Review status: criteria provided, multiple submitters, no conflicts (2 of 4 stars). 3 submissions from 3 submitters: Uncertain significance (3). Last evaluated 2025-09-02.

Conditions:
Developmental and epileptic encephalopathy, 37 (DEE37). Also called: Epileptic encephalopathy, early infantile, 37. Identifiers: MedGen C4310770, MONDO:0014859, OMIM 616981.

Allele frequency attached by ClinVar (database versions not stated): ExAC 0.00002; gnomAD exomes 0.00002; gnomAD 0.00003; TOPMed 0.00005.

Submissions (3):

Labcorp Genetics (formerly Invitae), Labcorp
Classification: Uncertain significance for Developmental and epileptic encephalopathy, 37. Last evaluated: 2025-09-02. Review status: criteria provided, single submitter. Criteria: Invitae Variant Classification Sherloc (09022015). Collection method: clinical testing. Allele origin: germline.
Comment: This sequence change replaces valine, which is neutral and non-polar, with isoleucine, which is neutral and non-polar, at codon 253 of the FRRS1L protein (p.Val253Ile). This variant is present in population databases (rs753224453, gnomAD 0.004%). This variant has not been reported in the literature in individuals affected with FRRS1L-related conditions. ClinVar contains an entry for this variant (Variation ID: 569298). An algorithm developed to predict the effect of missense changes on protein structure and function (PolyPhen-2) suggests that this variant is likely to be tolerated. In summary, the available evidence is currently insufficient to determine the role of this variant in disease. Therefore, it has been classified as a Variant of Uncertain Significance.

CeGaT Center for Human Genetics Tuebingen
Classification: Uncertain significance. Last evaluated: 2023-09-01. Review status: criteria provided, single submitter. Criteria: CeGaT Center For Human Genetics Tuebingen Variant Classification Criteria Version 2. Collection method: clinical testing. Allele origin: germline. Affected: yes. Observed: 1 variant allele.
Comment: FRRS1L: PM2

Baylor Genetics
Classification: Uncertain significance for Developmental and epileptic encephalopathy, 37. Last evaluated: 2019-06-07. Review status: criteria provided, single submitter. Criteria: ACMG Guidelines, 2015. Collection method: clinical testing. Allele origin: unknown. Affected: yes.
Comment: This variant was determined to be of uncertain significance according to ACMG Guidelines, 2015 [PMID:25741868].